The following is an entry in ClinVar:

ClinVar aggregate classification (germline): Uncertain significance (1 of 4 stars; one submission).

Conditions:
Glycogen storage disease type III (GSD3). Also called: Cori disease; FORBES DISEASE. Identifiers: Orphanet 366, MedGen C0017922, MONDO:0009291, OMIM 232400.

Allele frequency attached by ClinVar (database versions not stated): gnomAD 0.00001.
gnomAD v4.1: 5 of 1,614,006 alleles (0.00031%); highest among the groups gnomAD compares: African/African-American, 0.0013%; no homozygotes.

Submission:

Labcorp Genetics (formerly Invitae), Labcorp
Classification: Uncertain significance for Glycogen storage disease type III. Last evaluated: 2024-06-28. Review status: criteria provided, single submitter. Criteria: Invitae Variant Classification Sherloc (09022015). Collection method: clinical testing. Allele origin: germline.
Comment: This sequence change replaces isoleucine, which is neutral and non-polar, with leucine, which is neutral and non-polar, at codon 515 of the AGL protein (p.Ile515Leu). This variant is present in population databases (no rsID available, gnomAD 0.01%). This variant has not been reported in the literature in individuals affected with AGL-related conditions. ClinVar contains an entry for this variant (Variation ID: 2161945). Advanced modeling of protein sequence and biophysical properties (such as structural, functional, and spatial information, amino acid conservation, physicochemical variation, residue mobility, and thermodynamic stability) performed at Invitae indicates that this missense variant is not expected to disrupt AGL protein function with a negative predictive value of 80%. In summary, the available evidence is currently insufficient to determine the role of this variant in disease. Therefore, it has been classified as a Variant of Uncertain Significance.

NM_000642.3(AGL):c.1543A>C (p.Ile515Leu)

Gene: AGL (amylo-alpha-1,6-glucosidase and 4-alpha-glucanotransferase; plus strand). Cytogenetic location: 1p21.2.
Variant type: single nucleotide variant.
Coding change: c.1543A>C on transcript NM_000642.3 (MANE Select); coding-DNA position 1543, A replaced by C.
Protein change: p.Ile515Leu; replaces isoleucine 515 with leucine.
Molecular consequence: missense variant.
Genome position (GRCh38, 1-based): chr1:99,877,760, A>C. VCF-style: chr1-99877760-A-C. GRCh37 (hg19) VCF-style: chr1-100343316-A-C.
Other names: c.1543A>C, p.Ile515Leu (NM_000028.3, NM_000643.3, NM_000644.3 and 2 more transcripts); c.1495A>C, p.Ile499Leu (NM_000646.3); c.1342A>C, p.Ile448Leu (NM_001425327.1); c.1339A>C, p.Ile447Leu (NM_001425328.1, NM_001425329.1); c.1165A>C, p.Ile389Leu (NM_001425332.1); short protein forms I499L, I515L, I389L, I447L, I448L.
Identifiers: ClinVar variation 2161945 (VCV002161945.2), dbSNP rs753336677, ClinGen allele CA341314746.